The following is an entry in ClinVar:

ClinVar aggregate classification (germline): Uncertain significance (1 of 4 stars; one submission).

Conditions:
Hereditary cancer-predisposing syndrome. Also called: Neoplastic Syndromes, Hereditary; Tumor predisposition; Hereditary Cancer Syndrome; Hereditary neoplastic syndrome. Identifiers: Orphanet 140162, MedGen C0027672, MeSH D009386, MONDO:0015356.

Submission:

Ambry Genetics
Classification: Uncertain significance for Hereditary cancer-predisposing syndrome. Last evaluated: 2015-07-23. Review status: criteria provided, single submitter. Criteria: Ambry Variant Classification Scheme 2023. Collection method: clinical testing. Allele origin: germline.
Comment: The p.I1287T variant (also known as c.3860T>C), located in coding exon 15 of the APC gene, results from a T to C substitution at nucleotide position 3860. The isoleucine at codon 1287 is replaced by threonine, an amino acid with similar properties. This variant was not reported in population based cohorts in the following databases: Database of Single Nucleotide Polymorphisms (dbSNP), NHLBI Exome Sequencing Project (ESP), and 1000 Genomes Project. In the ESP, this variant was not observed in 6502 samples (13004 alleles) with coverage at this position. To date, this alteration has been detected with an allele frequency of approximately 0.003% (greater than 32000 alleles tested) in our clinical cohort. This amino acid position is not well conserved in available vertebrate species. In addition, in silico predictors for this gene do not accurately predict pathogenicity. Since supporting evidence is limited at this time, the clinical significance of p.I1287T remains unclear.

NM_000038.6(APC):c.3860T>C (p.Ile1287Thr)

Gene: APC (APC regulator of Wnt signaling pathway; plus strand). Cytogenetic location: 5q22.2.
Variant type: single nucleotide variant.
Coding change: c.3860T>C on transcript NM_000038.6 (MANE Select); coding-DNA position 3860, T replaced by C.
Protein change: p.Ile1287Thr; replaces isoleucine 1287 with threonine.
Molecular consequence: missense variant.
Genome position (GRCh38, 1-based): chr5:112,839,454, T>C. VCF-style: chr5-112839454-T-C. GRCh37 (hg19) VCF-style: chr5-112175151-T-C.
Other names: c.3776T>C, p.Ile1259Thr (NM_001354899.2); c.3737T>C, p.Ile1246Thr (NM_001354900.2); c.3683T>C, p.Ile1228Thr (NM_001354901.2); c.3587T>C, p.Ile1196Thr (NM_001354902.2); c.3557T>C, p.Ile1186Thr (NM_001354903.2); c.3482T>C, p.Ile1161Thr (NM_001354904.2); c.3380T>C, p.Ile1127Thr (NM_001354905.2); c.3011T>C, p.Ile1004Thr (NM_001354906.2); and 5 more; short protein forms I1269T, I1287T, I1186T, I1259T, I1305T, I1196T, I1127T, I1161T.
Identifiers: ClinVar variation 233073 (VCV000233073.5), dbSNP rs876660170, ClinGen allele CA10578359.